The following is an entry in ClinVar:

NM_000075.4(CDK4):c.304A>G (p.Thr102Ala)

Gene: CDK4 (cyclin dependent kinase 4; minus strand). Cytogenetic location: 12q14.1.
Variant type: single nucleotide variant.
Coding change: c.304A>G on transcript NM_000075.4 (MANE Select); coding-DNA position 304, A replaced by G.
Protein change: p.Thr102Ala; replaces threonine 102 with alanine.
Molecular consequence: missense variant.
Genome position (GRCh38, 1-based): chr12:57,751,257, T>C on the plus strand (A>G on the coding strand, the complement: CDK4 is on the minus strand). VCF-style: chr12-57751257-T-C. GRCh37 (hg19) VCF-style: chr12-58145040-T-C.
Other names: short protein forms T102A.
Identifiers: ClinVar variation 1799234 (VCV001799234.5), dbSNP rs2140387336, ClinGen allele CA385547815.

ClinVar aggregate classification (germline): Uncertain significance. Review status: criteria provided, multiple submitters, no conflicts (2 of 4 stars). 2 submissions from 2 submitters: Uncertain significance (2). Last evaluated 2025-07-30.

Conditions:
Hereditary cancer-predisposing syndrome. Also called: Neoplastic Syndromes, Hereditary; Tumor predisposition; Hereditary Cancer Syndrome; Hereditary neoplastic syndrome. Identifiers: Orphanet 140162, MedGen C0027672, MeSH D009386, MONDO:0015356.
Familial melanoma. Also called: Hereditary melanoma; Hereditary cutaneous melanoma. Identifiers: Orphanet 618, MedGen C1512419, MONDO:0018961.

Submissions (2):

Labcorp Genetics (formerly Invitae), Labcorp
Classification: Uncertain significance for Familial melanoma. Last evaluated: 2025-07-30. Review status: criteria provided, single submitter. Criteria: Invitae Variant Classification Sherloc (09022015). Collection method: clinical testing. Allele origin: germline.
Comment: This sequence change replaces threonine, which is neutral and polar, with alanine, which is neutral and non-polar, at codon 102 of the CDK4 protein (p.Thr102Ala). This variant is not present in population databases (gnomAD no frequency). This variant has not been reported in the literature in individuals affected with CDK4-related conditions. ClinVar contains an entry for this variant (Variation ID: 1799234). Invitae Evidence Modeling of protein sequence and biophysical properties (such as structural, functional, and spatial information, amino acid conservation, physicochemical variation, residue mobility, and thermodynamic stability) indicates that this missense variant is not expected to disrupt CDK4 protein function with a negative predictive value of 95%. In summary, the available evidence is currently insufficient to determine the role of this variant in disease. Therefore, it has been classified as a Variant of Uncertain Significance.

Ambry Genetics
Classification: Uncertain significance for Hereditary cancer-predisposing syndrome. Last evaluated: 2022-01-18. Review status: criteria provided, single submitter. Criteria: Ambry Variant Classification Scheme 2023. Collection method: clinical testing. Allele origin: germline.
Comment: The p.T102A variant (also known as c.304A>G), located in coding exon 2 of the CDK4 gene, results from an A to G substitution at nucleotide position 304. The threonine at codon 102 is replaced by alanine, an amino acid with similar properties. This amino acid position is well conserved in available vertebrate species. In addition, this alteration is predicted to be tolerated by in silico analysis. Since supporting evidence is limited at this time, the clinical significance of this alteration remains unclear.